The following is an entry in ClinVar:

ClinVar aggregate classification (germline): Likely benign. Review status: criteria provided, multiple submitters, no conflicts (2 of 4 stars). 2 submissions from 2 submitters: Likely benign (2). Last evaluated 2025-10-01.

gnomAD v4.1: 4,410 of 1,570,892 alleles (0.28%); highest among the groups gnomAD compares: South Asian, 0.84%; 389 homozygotes.

Submissions (2):

CeGaT Center for Human Genetics Tuebingen
Classification: Likely benign. Last evaluated: 2025-10-01. Review status: criteria provided, single submitter. Criteria: CeGaT Center For Human Genetics Tuebingen Variant Classification Criteria Version 2. Collection method: clinical testing. Allele origin: germline. Affected: yes. Observed: 1 variant allele.
Comment: PRAMEF2: BS2

Ambry Genetics
Classification: Likely benign. Last evaluated: 2024-10-22. Review status: criteria provided, single submitter. Criteria: Ambry Variant Classification Scheme 2023. Collection method: clinical testing. Allele origin: germline.

NM_023014.1(PRAMEF2):c.344G>T (p.Arg115Ile)

Genes: PRAMEF2 (PRAME family member 2; plus strand), LOC126805622 (CDK7 strongly-dependent group 2 enhancer GRCh37_chr1:12919058-12920257; plus strand). Cytogenetic location: 1p36.21.
Variant type: single nucleotide variant.
Coding change: c.344G>T on transcript NM_023014.1 (MANE Select); coding-DNA position 344, G replaced by T.
Protein change: p.Arg115Ile; replaces arginine 115 with isoleucine.
Molecular consequence: missense variant.
Genome position (GRCh38, 1-based): chr1:12,859,749, G>T. VCF-style: chr1-12859749-G-T. GRCh37 (hg19) VCF-style: chr1-12919604-G-T.
Other names: short protein forms R115I.
Identifiers: ClinVar variation 3424493 (VCV003424493.7).